The following is an entry in ClinVar:

NM_001135629.3(PPP1R21):c.1818T>C (p.Asn606=)

Gene: PPP1R21 (protein phosphatase 1 regulatory subunit 21; plus strand). Cytogenetic location: 2p16.3.
Variant type: single nucleotide variant.
Coding change: c.1818T>C on transcript NM_001135629.3 (MANE Select); coding-DNA position 1818, T replaced by C.
Protein change: p.Asn606=; no amino-acid change (asparagine 606 retained).
Molecular consequence: synonymous variant. On other transcripts: non-coding transcript variant (1).
Genome position (GRCh38, 1-based): chr2:48,498,618, T>C. VCF-style: chr2-48498618-T-C. GRCh37 (hg19) VCF-style: chr2-48725757-T-C.
Other names: c.1818T>C (NM_001135629.2); c.1725T>C, p.Asn575= (NM_001193475.2); c.1818T>C, p.Asn606= (NM_152994.5).
Identifiers: ClinVar variation 4872142 (VCV004872142.4).

ClinVar aggregate classification (germline): Likely benign. Review status: criteria provided, multiple submitters, no conflicts (2 of 4 stars). 3 submissions from 3 submitters: Likely benign (3). Last evaluated 2026-06-01.

Conditions:
PPP1R21-related disorder. Also called: PPP1R21-related condition.

gnomAD v4.1: 1,201 of 1,614,220 alleles (0.074%); highest among the groups gnomAD compares: African/African-American, 1.2%; 3 homozygotes.

Submissions (3):

CeGaT Center for Human Genetics Tuebingen
Classification: Likely benign. Last evaluated: 2026-06-01. Review status: criteria provided, single submitter. Criteria: CeGaT Center For Human Genetics Tuebingen Variant Classification Criteria Version 2. Collection method: clinical testing. Allele origin: germline. Affected: yes. Observed: 2 variant alleles.
Comment: PPP1R21: BP4, BP7, BS1

PreventionGenetics, part of Exact Sciences
Classification: Likely benign for PPP1R21-related condition. Last evaluated: 2025-01-11. Review status: criteria provided, single submitter. Criteria: ACMG Guidelines, 2015. Collection method: clinical testing. Allele origin: germline.
Comment: This variant is classified as likely benign based on ACMG/AMP sequence variant interpretation guidelines (Richards et al. 2015 PMID: 25741868, with internal and published modifications).

Blueprint Genetics
Classification: Likely benign. Last evaluated: 2024-11-13. Review status: criteria provided, single submitter. Criteria: ACMG Guidelines, 2015. Collection method: clinical testing. Allele origin: germline.